The following is an entry in ClinVar:

NM_000238.4(KCNH2):c.1225G>T (p.Val409Leu)

Gene: KCNH2 (potassium voltage-gated channel subfamily H member 2; minus strand). Cytogenetic location: 7q36.1.
Variant type: single nucleotide variant.
Coding change: c.1225G>T on transcript NM_000238.4 (MANE Select); coding-DNA position 1225, G replaced by T.
Protein change: p.Val409Leu; replaces valine 409 with leucine.
Molecular consequence: missense variant. On other transcripts: non-coding transcript variant (2).
Genome position (GRCh38, 1-based): chr7:150,952,757, C>A on the plus strand (G>T on the coding strand, the complement: KCNH2 is on the minus strand). VCF-style: chr7-150952757-C-A. GRCh37 (hg19) VCF-style: chr7-150649845-C-A.
Other names: c.205G>T, p.Val69Leu (NM_001204798.2, NM_172057.3); c.937G>T, p.Val313Leu (NM_001406753.1, NM_001406756.1); c.1048G>T, p.Val350Leu (NM_001406755.1); c.925G>T, p.Val309Leu (NM_001406757.1); c.1225G>T, p.Val409Leu (NM_172056.3); short protein forms V309L, V313L, V350L, V409L, V69L.
Identifiers: ClinVar variation 4759171 (VCV004759171.1).

ClinVar aggregate classification (germline): Uncertain significance (1 of 4 stars; one submission).

Conditions:
Cardiac arrhythmia. Also called: Arrhythmia; Cardiac rhythm disease. Identifiers: MedGen C0003811, MONDO:0007263, HP:0011675.

gnomAD v4.1: 2 of 1,614,026 alleles (0.00012%); highest among the groups gnomAD compares: Non-Finnish European, 0.00017%; no homozygotes.

Submission:

Color Diagnostics, LLC DBA Color Health
Classification: Uncertain significance for Cardiac arrhythmia. Last evaluated: 2025-11-24. Review status: criteria provided, single submitter. Criteria: ACMG Guidelines, 2015. Collection method: clinical testing. Allele origin: germline.
Comment: This missense variant replaces valine with leucine at codon 409 of the KCNH2 protein. Computational prediction suggests that this variant may have deleterious impact on protein structure and function. To our knowledge, functional studies have not been reported for this variant. This variant has not been reported in individuals affected with KCNH2-related disorders in the literature. This variant has been identified in 2/1614026 chromosomes in the general population by the Genome Aggregation Database (gnomAD). The available evidence is insufficient to determine the role of this variant in disease conclusively. Therefore, this variant is classified as a Variant of Uncertain Significance.